The following is an entry in ClinVar:

ClinVar aggregate classification (germline): Uncertain significance (1 of 4 stars; one submission).

Submission:

Labcorp Genetics (formerly Invitae), Labcorp
Classification: Uncertain significance. Last evaluated: 2021-10-12. Review status: criteria provided, single submitter. Criteria: Invitae Variant Classification Sherloc (09022015). Collection method: clinical testing. Allele origin: germline.
Comment: Experimental studies and prediction algorithms are not available or were not evaluated, and the functional significance of this variant is currently unknown. This variant has not been reported in the literature in individuals affected with SYT2-related conditions. This variant is not present in population databases (ExAC no frequency). This sequence change creates a premature translational stop signal (p.Gln354*) in the SYT2 gene. While this is not anticipated to result in nonsense mediated decay, it is expected to disrupt the last 66 amino acid(s) of the SYT2 protein. In summary, the available evidence is currently insufficient to determine the role of this variant in disease. Therefore, it has been classified as a Variant of Uncertain Significance.

NM_177402.5(SYT2):c.1060C>T (p.Gln354Ter)

Gene: SYT2 (synaptotagmin 2; minus strand). Cytogenetic location: 1q32.1.
Variant type: single nucleotide variant.
Coding change: c.1060C>T on transcript NM_177402.5 (MANE Select); coding-DNA position 1060, C replaced by T.
Protein change: p.Gln354Ter; replaces glutamine 354 with a stop codon.
Molecular consequence: nonsense.
Genome position (GRCh38, 1-based): chr1:202,596,957, G>A on the plus strand (C>T on the coding strand, the complement: SYT2 is on the minus strand). VCF-style: chr1-202596957-G-A. GRCh37 (hg19) VCF-style: chr1-202566085-G-A.
Other names: c.1060C>T, p.Gln354Ter (NM_001136504.1); short protein forms Q354*.
Identifiers: ClinVar variation 1386342 (VCV001386342.6), dbSNP rs2149064067, ClinGen allele CA344256240.